The following is an entry in ClinVar:

NM_006231.4(POLE):c.664C>T (p.Arg222Cys)

Gene: POLE (DNA polymerase epsilon, catalytic subunit; minus strand). Cytogenetic location: 12q24.33.
Variant type: single nucleotide variant.
Coding change: c.664C>T on transcript NM_006231.4 (MANE Select); coding-DNA position 664, C replaced by T.
Protein change: p.Arg222Cys; replaces arginine 222 with cysteine.
Molecular consequence: missense variant.
Genome position (GRCh38, 1-based): chr12:132,677,634, G>A on the plus strand (C>T on the coding strand, the complement: POLE is on the minus strand). VCF-style: chr12-132677634-G-A. GRCh37 (hg19) VCF-style: chr12-133254220-G-A.
Other names: c.664C>T (NM_006231.2); short protein forms R222C.
Identifiers: ClinVar variation 582662 (VCV000582662.22), dbSNP rs767503360, ClinGen allele CA6894245.

ClinVar aggregate classification (germline): Conflicting classifications of pathogenicity. Review status: criteria provided, conflicting classifications (1 of 4 stars). 5 submissions from 5 submitters: Uncertain significance (4); Likely benign (1). Last evaluated 2025-12-29.

Conditions:
Familial colorectal cancer type X. Identifiers: Orphanet 440437, MedGen C3896578, MONDO:0018604.
Polymerase proofreading-related adenomatous polyposis. Also called: Polymerase proofreading associated polyposis; Polymerase proofreading–associated polyposis (PPAP). Identifiers: Orphanet 447877, MedGen C5202613, MONDO:0018653.
Hereditary cancer-predisposing syndrome. Also called: Neoplastic Syndromes, Hereditary; Hereditary Cancer Syndrome; Tumor predisposition; Hereditary neoplastic syndrome. Identifiers: Orphanet 140162, MedGen C0027672, MeSH D009386, MONDO:0015356.
Colorectal cancer, susceptibility to, 12 (CRCS12). Also called: COLORECTAL CANCER, SUSCEPTIBILITY TO, ON CHROMOSOME 12q24. Identifiers: Orphanet 220460, MedGen C3554460, MONDO:0014038, OMIM 615083.

Allele frequency attached by ClinVar (database versions not stated): gnomAD exomes 0.00001; ExAC 0.00002.
gnomAD v4.1: 7 of 1,614,008 alleles (0.00043%); highest among the groups gnomAD compares: East Asian, 0.0089%; no homozygotes.

Submissions (5):

Center for Genomic Medicine, Rigshospitalet, Copenhagen University Hospital
Classification: Uncertain significance. Last evaluated: 2025-12-29. Review status: criteria provided, single submitter. Criteria: ACMG Guidelines, 2015. Collection method: clinical testing. Allele origin: germline.

Labcorp Genetics (formerly Invitae), Labcorp
Classification: Uncertain significance. Last evaluated: 2025-10-13. Review status: criteria provided, single submitter. Criteria: Invitae Variant Classification Sherloc (09022015). Collection method: clinical testing. Allele origin: germline.
Comment: This sequence change replaces arginine, which is basic and polar, with cysteine, which is neutral and slightly polar, at codon 222 of the POLE protein (p.Arg222Cys). This variant is present in population databases (rs767503360, gnomAD 0.002%). This variant has not been reported in the literature in individuals affected with POLE-related conditions. ClinVar contains an entry for this variant (Variation ID: 582662). Invitae Evidence Modeling of protein sequence and biophysical properties (such as structural, functional, and spatial information, amino acid conservation, physicochemical variation, residue mobility, and thermodynamic stability) indicates that this missense variant is expected to disrupt POLE protein function with a positive predictive value of 80%. In summary, the available evidence is currently insufficient to determine the role of this variant in disease. Therefore, it has been classified as a Variant of Uncertain Significance.

Ambry Genetics
Classification: Uncertain significance for Hereditary cancer-predisposing syndrome. Last evaluated: 2025-02-24. Review status: criteria provided, single submitter. Criteria: Ambry Variant Classification Scheme 2023. Collection method: clinical testing. Allele origin: germline.
Comment: The p.R222C variant (also known as c.664C>T), located in coding exon 7 of the POLE gene, results from a C to T substitution at nucleotide position 664. The arginine at codon 222 is replaced by cysteine, an amino acid with highly dissimilar properties. This amino acid position is highly conserved in available vertebrate species. In addition, the in silico prediction for this alteration is inconclusive. Based on the available evidence, the clinical significance of this variant remains unclear.

Department of Pathology and Laboratory Medicine, Sinai Health System
Classification: Uncertain significance for Polymerase proofreading-related adenomatous polyposis; Familial colorectal cancer type X. Last evaluated: 2022-12-15. Review status: criteria provided, single submitter. Criteria: ACMG Guidelines, 2015. Collection method: clinical testing. Allele origin: germline. Affected: yes.

University of Washington Department of Laboratory Medicine, University of Washington
Classification: Likely benign for Colorectal cancer, susceptibility to, 12. Last evaluated: 2018-05-29. Review status: criteria provided, single submitter. Criteria: Tsai GJ et al. (Genet Med 2018). Collection method: research. Allele origin: germline. Inheritance: Autosomal dominant inheritance. Affected: no.
Comment: The POLE variant designated as NM_006231.3:c.664C>T (p.Arg222Cys) is classified as likely benign. This variant is not in the POLE exonuclease domain and is unlikely to cause increased cancer risk, as only POLE variants that alter exonuclease activity have been documented to be associated with colon cancer risk. The allele does not segregate with gastrointestinal cancer in one observed family. Bayesian analysis integrating all of this data (Tavtigian et al, 2018, PMID: 29300386) gives about 3% probability of pathogenicity, which is consistent with a classification of likely benign. This variant is not predicted to alter POLE function or modify cancer risk. A modest (less than 2-fold) increase in cancer risk due to this variant cannot be excluded. This analysis was performed in conjunction with the family studies project as part of the University of Washington Find My Variant Study.